The following is an entry in ClinVar:

NC_000023.10:g.(?_31697472)_(31986651_?)dup

Gene: DMD (dystrophin; minus strand). Cytogenetic location: Xp21.1.
Variant type: Duplication.
Identifiers: ClinVar variation 1411046 (VCV001411046.5).

ClinVar aggregate classification (germline): Uncertain significance (1 of 4 stars; one submission).

Conditions:
Duchenne muscular dystrophy (DMD). Also called: MUSCULAR DYSTROPHY, PSEUDOHYPERTROPHIC PROGRESSIVE, DUCHENNE TYPE; Duchenne Muscular Dystrophy (DMD). Identifiers: Orphanet 98896, MedGen C0013264, MONDO:0010679, OMIM 310200.

Submission:

Labcorp Genetics (formerly Invitae), Labcorp
Classification: Uncertain significance for Duchenne muscular dystrophy. Last evaluated: 2021-08-02. Review status: criteria provided, single submitter. Criteria: Invitae Variant Classification Sherloc (09022015). Collection method: clinical testing. Allele origin: germline.
Comment: In summary, the available evidence is currently insufficient to determine the role of this variant in disease. Therefore, it has been classified as a Variant of Uncertain Significance. A similar copy number variant has been observed in individual(s) with intellectual disability and mildly elevated creatine kinase (PMID: 31197268). This variant results in a copy number gain of the genomic region encompassing exon(s) 45-53 of the DMD gene. While the exact position of this variant cannot be determined from the data, sub-genic copy number gains are generally in tandem (PMID: 25640679). This variant is predicted to be in-frame, and likely preserves the integrity of the reading frame.

Literature cited by the submitters: PubMed 31197268; PubMed 25640679.